The following is an entry in ClinVar:

NM_152564.5(VPS13B):c.5165A>G (p.His1722Arg)

Gene: VPS13B (vacuolar protein sorting 13 homolog B; plus strand). Cytogenetic location: 8q22.2.
Variant type: single nucleotide variant.
Coding change: c.5165A>G on transcript NM_152564.5 (MANE Select); coding-DNA position 5165, A replaced by G.
Protein change: p.His1722Arg; replaces histidine 1722 with arginine.
Molecular consequence: missense variant.
Genome position (GRCh38, 1-based): chr8:99,577,578, A>G. VCF-style: chr8-99577578-A-G. GRCh37 (hg19) VCF-style: chr8-100589806-A-G.
Other names: p.His1747Arg; c.5240A>G, p.His1747Arg (NM_017890.5); short protein forms H1722R, H1747R.
Identifiers: ClinVar variation 2143856 (VCV002143856.2), dbSNP rs1030098875, ClinGen allele CA182999095.
Genomic context (GRCh38, chr8:99,577,578, plus strand): 5'-AAGTGAATATAACCACAAACCTGGACTTCTTCCTAAGTGTGGCTCAAGTTCAACTCTTAC[A>G]TCAGTTAATAGTAGCAAATATGACTGGACTGGAACCATCAAACAAGGCTGCAGAGGTAAC-3'
Protein context (NP_689777.3, residues 1712-1732): FLSVAQVQLL[His1722Arg]QLIVANMTGL

ClinVar aggregate classification (germline): Uncertain significance. Review status: criteria provided, multiple submitters, no conflicts (2 of 4 stars). 2 submissions from 2 submitters: Uncertain significance (2). Last evaluated 2025-01-22.

Conditions:
Cohen syndrome (COH1). Also called: PEPPER SYNDROME; Cutis verticis gyrata, retinitis pigmentosa, and sensorineural deafness. Identifiers: Orphanet 193, MedGen C0265223, MONDO:0008999, OMIM 216550.

Allele frequency attached by ClinVar (database versions not stated): gnomAD 0.00001; gnomAD exomes 0.00001; TOPMed 0.00001.
gnomAD v4.1: 20 of 1,613,754 alleles (0.0012%); highest among the groups gnomAD compares: Non-Finnish European, 0.0016%; no homozygotes.

Submissions (2):

Mayo Clinic Laboratories, Mayo Clinic
Classification: Uncertain significance. Last evaluated: 2025-01-22. Review status: criteria provided, single submitter. Criteria: ACMG Guidelines, 2015. Collection method: clinical testing. Allele origin: germline. Observed: 1 variant allele.
Comment: PM2_supporting

Labcorp Genetics (formerly Invitae), Labcorp
Classification: Uncertain significance for Cohen syndrome. Last evaluated: 2022-06-13. Review status: criteria provided, single submitter. Criteria: Invitae Variant Classification Sherloc (09022015). Collection method: clinical testing. Allele origin: germline.
Comment: This sequence change replaces histidine, which is basic and polar, with arginine, which is basic and polar, at codon 1747 of the VPS13B protein (p.His1747Arg). This variant is present in population databases (no rsID available, gnomAD 0.0009%). This variant has not been reported in the literature in individuals affected with VPS13B-related conditions. Algorithms developed to predict the effect of missense changes on protein structure and function are either unavailable or do not agree on the potential impact of this missense change (SIFT: "Not Available"; PolyPhen-2: "Possibly Damaging"; Align-GVGD: "Not Available"). Algorithms developed to predict the effect of sequence changes on RNA splicing suggest that this variant may create or strengthen a splice site. In summary, the available evidence is currently insufficient to determine the role of this variant in disease. Therefore, it has been classified as a Variant of Uncertain Significance.